The following is an entry in ClinVar:

NM_005592.4(MUSK):c.1038G>T (p.Glu346Asp)

Gene: MUSK (muscle associated receptor tyrosine kinase; plus strand). Cytogenetic location: 9q31.3.
Variant type: single nucleotide variant.
Coding change: c.1038G>T on transcript NM_005592.4 (MANE Select); coding-DNA position 1038, G replaced by T.
Protein change: p.Glu346Asp; replaces glutamic acid 346 with aspartic acid.
Molecular consequence: missense variant. On other transcripts: 5 prime UTR variant (1), intron variant (2).
Genome position (GRCh38, 1-based): chr9:110,767,937, G>T. VCF-style: chr9-110767937-G-T. GRCh37 (hg19) VCF-style: chr9-113530217-G-T.
Other names: c.-199G>T (NM_001369398.1); c.950+5729G>T (NM_001166280.2); c.920+5729G>T (NM_001166281.2); short protein forms E346D.
Identifiers: ClinVar variation 1329687 (VCV001329687.4), dbSNP rs764142979, ClinGen allele CA5184266.

ClinVar aggregate classification (germline): Uncertain significance. Review status: criteria provided, multiple submitters, no conflicts (2 of 4 stars). 2 submissions from 2 submitters: Uncertain significance (2). Last evaluated 2022-09-06.

Conditions:
Inborn genetic diseases. Identifiers: MedGen C0950123, MeSH D030342.

Allele frequency attached by ClinVar (database versions not stated): gnomAD 0.00001; ExAC 0.00002; gnomAD exomes 0.00002; TOPMed 0.00002.
gnomAD v4.1: 9 of 1,613,786 alleles (0.00056%); highest among the groups gnomAD compares: Admixed American, 0.0017%; no homozygotes.

Submissions (2):

Ambry Genetics
Classification: Uncertain significance for Inborn genetic diseases. Last evaluated: 2022-09-06. Review status: criteria provided, single submitter. Criteria: Ambry Variant Classification Scheme 2023. Collection method: clinical testing. Allele origin: germline.

GeneDx
Classification: Uncertain significance. Last evaluated: 2021-06-23. Review status: criteria provided, single submitter. Criteria: GeneDx Variant Classification Process June 2021. Collection method: clinical testing. Allele origin: germline. Affected: yes.
Comment: Not observed at significant frequency in large population cohorts (Lek et al., 2016); In silico analysis supports that this missense variant does not alter protein structure/function; Has not been previously published as pathogenic or benign to our knowledge; This variant is associated with the following publications: (PMID: 27535533, 25537362)